The following is an entry in ClinVar:

ClinVar aggregate classification (germline): Uncertain significance (1 of 4 stars; one submission).

Conditions:
Cardiovascular phenotype. Identifiers: MedGen CN230736.

Submission:

Ambry Genetics
Classification: Uncertain significance for Cardiovascular phenotype. Last evaluated: 2025-01-21. Review status: criteria provided, single submitter. Criteria: Ambry Variant Classification Scheme 2023. Collection method: clinical testing. Allele origin: germline.
Comment: The p.I608T variant (also known as c.1823T>C), located in coding exon 13 of the APOB gene, results from a T to C substitution at nucleotide position 1823. The isoleucine at codon 608 is replaced by threonine, an amino acid with similar properties. This amino acid position is conserved. In addition, this alteration is predicted to be tolerated by in silico analysis. Based on the available evidence, the clinical significance of this variant remains unclear.

NM_000384.3(APOB):c.1823T>C (p.Ile608Thr)

Gene: APOB (apolipoprotein B; minus strand). Cytogenetic location: 2p24.1.
Variant type: single nucleotide variant.
Coding change: c.1823T>C on transcript NM_000384.3 (MANE Select); coding-DNA position 1823, T replaced by C.
Protein change: p.Ile608Thr; replaces isoleucine 608 with threonine.
Molecular consequence: missense variant.
Genome position (GRCh38, 1-based): chr2:21,028,333, A>G on the plus strand (T>C on the coding strand, the complement: APOB is on the minus strand). VCF-style: chr2-21028333-A-G. GRCh37 (hg19) VCF-style: chr2-21251205-A-G.
Other names: short protein forms I608T.
Identifiers: ClinVar variation 3885180 (VCV003885180.1).
Genomic context (GRCh38, chr2:21,028,333, plus strand): 5'-GGAATTCCAGCTCAGGGCCCTCAGTGGTATATGGGGTGAATAGCTCTTACTTACTCTTGG[A>G]TATCCAATTCTTCTGAGTTCAAGATATTGGCAATATGGGAAGCCACAAAGTTCTTCACTT-3'
Protein context (NP_000375.3, residues 598-618): ANILNSEELD[Ile608Thr]QDLKKLVKEA